The following is an entry in ClinVar:

ClinVar aggregate classification (germline): Uncertain significance (1 of 4 stars; one submission).

Conditions:
Frontotemporal dementia and/or amyotrophic lateral sclerosis 4. Also called: FTDALS4. Identifiers: Orphanet 275872, MedGen C4225325, MONDO:0014641, OMIM 616439.

Allele frequency attached by ClinVar (database versions not stated): TOPMed 0.00001; gnomAD 0.00001.
gnomAD v4.1: 2 of 1,566,026 alleles (0.00013%); highest among the groups gnomAD compares: Non-Finnish European, 0.00017%; no homozygotes.

Submission:

Labcorp Genetics (formerly Invitae), Labcorp
Classification: Uncertain significance for Frontotemporal dementia and/or amyotrophic lateral sclerosis 4. Last evaluated: 2023-03-07. Review status: criteria provided, single submitter. Criteria: Invitae Variant Classification Sherloc (09022015). Collection method: clinical testing. Allele origin: germline.
Comment: This variant is present in population databases (no rsID available, gnomAD 0.002%). This variant has not been reported in the literature in individuals affected with TBK1-related conditions. Advanced modeling of protein sequence and biophysical properties (such as structural, functional, and spatial information, amino acid conservation, physicochemical variation, residue mobility, and thermodynamic stability) performed at Invitae indicates that this missense variant is not expected to disrupt TBK1 protein function. Algorithms developed to predict the effect of sequence changes on RNA splicing suggest that this variant may disrupt the consensus splice site. In summary, the available evidence is currently insufficient to determine the role of this variant in disease. Therefore, it has been classified as a Variant of Uncertain Significance. This sequence change replaces threonine, which is neutral and polar, with isoleucine, which is neutral and non-polar, at codon 79 of the TBK1 protein (p.Thr79Ile).

NM_013254.4(TBK1):c.236C>T (p.Thr79Ile)

Gene: TBK1 (TANK binding kinase 1; plus strand). Cytogenetic location: 12q14.2.
Variant type: single nucleotide variant.
Coding change: c.236C>T on transcript NM_013254.4 (MANE Select); coding-DNA position 236, C replaced by T.
Protein change: p.Thr79Ile; replaces threonine 79 with isoleucine.
Molecular consequence: missense variant.
Genome position (GRCh38, 1-based): chr12:64,464,341, C>T. VCF-style: chr12-64464341-C-T. GRCh37 (hg19) VCF-style: chr12-64858121-C-T.
Other names: short protein forms T79I.
Identifiers: ClinVar variation 2820255 (VCV002820255.3), dbSNP rs1311776680, ClinGen allele CA385595336.
Genomic context (GRCh38, chr12:64,464,341, plus strand): 5'-TAATCAAAATTTATTTTTTATGTTGATTCCCAATCAATGATTTTTTTTTTCAGACAACAA[C>T]AAGACATAAAGTACTTATTATGGAATTTTGTCCATGTGGGAGTTTATACACTGTTTTAGA-3'
Protein context (NP_037386.1, residues 69-89): KLFAIEEETT[Thr79Ile]RHKVLIMEFC